The following is an entry in ClinVar:

ClinVar aggregate classification (germline): Likely benign. Review status: criteria provided, multiple submitters, no conflicts (2 of 4 stars). 3 submissions from 3 submitters: Likely benign (3). Last evaluated 2023-10-26.

Conditions:
Hereditary cancer-predisposing syndrome. Also called: Hereditary neoplastic syndrome; Hereditary Cancer Syndrome; Tumor predisposition; Neoplastic Syndromes, Hereditary. Identifiers: Orphanet 140162, MedGen C0027672, MeSH D009386, MONDO:0015356.
Multiple endocrine neoplasia, type 2 (MEN2). Identifiers: Orphanet 653, MedGen C4048306, MONDO:0019003. Disease mechanism: gain of function.

Submissions (3):

Labcorp Genetics (formerly Invitae), Labcorp
Classification: Likely benign for Multiple endocrine neoplasia, type 2. Last evaluated: 2023-10-26. Review status: criteria provided, single submitter. Criteria: Invitae Variant Classification Sherloc (09022015). Collection method: clinical testing. Allele origin: germline.

All of Us Research Program, National Institutes of Health
Classification: Likely benign for Multiple endocrine neoplasia, type 2. Last evaluated: 2023-08-08. Review status: criteria provided, single submitter. Criteria: ACMG Guidelines, 2015. Collection method: clinical testing. Allele origin: germline. Inheritance: Autosomal dominant inheritance. Observed: 1 variant allele, 1 heterozygote.
Comment: This study involves interpretation of variants in research participants for the purpose of population health screening. Participant phenotype was not available at the time of variant classification. Additional details can be found in publication PMID: 35346344, PMCID: PMC8962531

Ambry Genetics
Classification: Likely benign for Hereditary cancer-predisposing syndrome. Last evaluated: 2020-10-27. Review status: criteria provided, single submitter. Criteria: Ambry Variant Classification Scheme 2023. Collection method: clinical testing. Allele origin: germline.

NM_020975.6(RET):c.1458G>A (p.Val486=)

Gene: RET (ret proto-oncogene; plus strand). Cytogenetic location: 10q11.21.
Variant type: single nucleotide variant.
Coding change: c.1458G>A on transcript NM_020975.6 (MANE Select); coding-DNA position 1458, G replaced by A.
Protein change: p.Val486=; no amino-acid change (valine 486 retained).
Molecular consequence: synonymous variant. On other transcripts: intron variant (15).
Genome position (GRCh38, 1-based): chr10:43,111,401, G>A. VCF-style: chr10-43111401-G-A. GRCh37 (hg19) VCF-style: chr10-43606849-G-A.
Other names: c.1458G>A, p.Val486= (NM_000323.2, NM_001406743.1, NM_001406744.1 and 6 more transcripts); c.696G>A, p.Val232= (NM_001355216.2); c.1329G>A, p.Val443= (NM_001406761.1, NM_001406762.1, NM_001406764.1 and 1 more transcripts); c.1170G>A, p.Val390= (NM_001406766.1, NM_001406767.1, NM_001406770.1); c.1062G>A, p.Val354= (NM_001406769.1, NM_001406772.1); c.1020G>A, p.Val340= (NM_001406771.1, NM_001406773.1); c.933G>A, p.Val311= (NM_001406774.1); c.732G>A, p.Val244= (NM_001406775.1, NM_001406776.1, NM_001406777.1 and 1 more transcripts); and 5 more.
Identifiers: ClinVar variation 1130714 (VCV001130714.13), dbSNP rs2132774203, ClinGen allele CA469479975.